The following is an entry in ClinVar:

NM_001170535.3(ATAD3A):c.1743C>G (p.Asp581Glu)

Gene: ATAD3A (ATPase family AAA domain containing 3A; plus strand). Cytogenetic location: 1p36.33.
Variant type: single nucleotide variant.
Coding change: c.1743C>G on transcript NM_001170535.3 (MANE Select); coding-DNA position 1743, C replaced by G.
Protein change: p.Asp581Glu; replaces aspartic acid 581 with glutamic acid.
Molecular consequence: missense variant.
Genome position (GRCh38, 1-based): chr1:1,534,054, C>G. VCF-style: chr1-1534054-C-G. GRCh37 (hg19) VCF-style: chr1-1469434-C-G.
Other names: c.1506C>G, p.Asp502Glu (NM_001170536.3); c.1887C>G, p.Asp629Glu (NM_018188.5); c.1743C>G (NM_001170535.1); short protein forms D629E, D502E, D581E.
Identifiers: ClinVar variation 2395935 (VCV002395935.4), dbSNP rs138576169, ClinGen allele CA337865444.

ClinVar aggregate classification (germline): Uncertain significance. Review status: criteria provided, multiple submitters, no conflicts (2 of 4 stars). 3 submissions from 3 submitters: Uncertain significance (3). Last evaluated 2025-05-19.

Conditions:
Inborn genetic diseases. Identifiers: MedGen C0950123, MeSH D030342.

gnomAD v4.1: 28 of 1,613,416 alleles (0.0017%); highest among the groups gnomAD compares: Admixed American, 0.0067%; no homozygotes.

Submissions (3):

Women's Health and Genetics/Laboratory Corporation of America, LabCorp
Classification: Uncertain significance. Last evaluated: 2025-05-19. Review status: criteria provided, single submitter. Criteria: LabCorp Variant Classification Summary - May 2015. Collection method: clinical testing. Allele origin: germline.
Comment: Variant summary: ATAD3A c.1743C>G (p.Asp581Glu) results in a conservative amino acid change in the encoded protein sequence. Algorithms developed to predict the effect of missense changes on protein structure and function all suggest that this variant is likely to be tolerated. The variant allele was found at a frequency of 8e-06 in 250372 control chromosomes (gnomAD). The available data on variant occurrences in the general population are insufficient to allow any conclusion about variant significance. To our knowledge, no occurrence of c.1743C>G in individuals affected with Harel-Yoon syndrome-AD and no experimental evidence demonstrating its impact on protein function have been reported. ClinVar contains an entry for this variant (Variation ID: 2395935). Based on the evidence outlined above, the variant was classified as uncertain significance.

GeneDx
Classification: Uncertain significance. Last evaluated: 2025-02-19. Review status: criteria provided, single submitter. Criteria: GeneDx Variant Classification Process June 2021. Collection method: clinical testing. Allele origin: germline. Affected: yes.
Comment: In silico analysis indicates that this missense variant does not alter protein structure/function; Has not been previously published as pathogenic or benign to our knowledge

Ambry Genetics
Classification: Uncertain significance for Inborn genetic diseases. Last evaluated: 2021-07-20. Review status: criteria provided, single submitter. Criteria: Ambry Variant Classification Scheme 2023. Collection method: clinical testing. Allele origin: germline.